The following is an entry in ClinVar:

ClinVar aggregate classification (germline): Uncertain significance (1 of 4 stars; one submission).

Conditions:
Hypertrophic cardiomyopathy 19. Also called: Familial hypertrophic cardiomyopathy 19. Identifiers: MedGen CN077603, MONDO:0013476.

Allele frequency attached by ClinVar (database versions not stated): gnomAD 0.00001; gnomAD exomes 0.00001; TOPMed below 0.00001.
gnomAD v4.1: 12 of 1,613,974 alleles (0.00074%); highest among the groups gnomAD compares: Non-Finnish European, 0.00093%; no homozygotes.

Submission:

Labcorp Genetics (formerly Invitae), Labcorp
Classification: Uncertain significance for Hypertrophic cardiomyopathy 19. Last evaluated: 2021-12-21. Review status: criteria provided, single submitter. Criteria: Invitae Variant Classification Sherloc (09022015). Collection method: clinical testing. Allele origin: germline.
Comment: This sequence change replaces glutamic acid, which is acidic and polar, with alanine, which is neutral and non-polar, at codon 208 of the CALR3 protein (p.Glu208Ala). In summary, the available evidence is currently insufficient to determine the role of this variant in disease. Therefore, it has been classified as a Variant of Uncertain Significance. Algorithms developed to predict the effect of missense changes on protein structure and function output the following: SIFT: "Tolerated"; PolyPhen-2: "Benign"; Align-GVGD: "Class C0". The alanine amino acid residue is found in multiple mammalian species, which suggests that this missense change does not adversely affect protein function. This variant has not been reported in the literature in individuals affected with CALR3-related conditions. This variant is not present in population databases (gnomAD no frequency).

NM_145046.5(CALR3):c.623A>C (p.Glu208Ala)

Gene: CALR3 (calreticulin 3; minus strand). Cytogenetic location: 19p13.11.
Variant type: single nucleotide variant.
Coding change: c.623A>C on transcript NM_145046.5 (MANE Select); coding-DNA position 623, A replaced by C.
Protein change: p.Glu208Ala; replaces glutamic acid 208 with alanine.
Molecular consequence: missense variant.
Genome position (GRCh38, 1-based): chr19:16,483,985, T>G on the plus strand (A>C on the coding strand, the complement: CALR3 is on the minus strand). VCF-style: chr19-16483985-T-G. GRCh37 (hg19) VCF-style: chr19-16594796-T-G.
Other names: short protein forms E208A.
Identifiers: ClinVar variation 2048896 (VCV002048896.4), dbSNP rs1350003595, ClinGen allele CA404609430.